The following is an entry in ClinVar:

ClinVar aggregate classification (germline): Uncertain significance (1 of 4 stars; one submission).

Submission:

Women's Health and Genetics/Laboratory Corporation of America, LabCorp
Classification: Uncertain significance. Last evaluated: 2026-01-28. Review status: criteria provided, single submitter. Criteria: LabCorp Variant Classification Summary - May 2015. Collection method: clinical testing. Allele origin: germline.
Comment: Variant summary: PLAU c.974_977delinsT (p.Asp325_Tyr326delinsVal) results in an in-frame deletion-insertion that is predicted to delete two amino acids from the protein and insert one amino acid. The variant was absent in 279666 control chromosomes (gnomAD). The available data on variant occurrences in the general population are insufficient to allow any conclusion about variant significance. To our knowledge, no occurrence of c.974_977delinsT in individuals affected with PLAU-related conditions and no experimental evidence demonstrating its impact on protein function have been reported. No submitters have cited clinical-significance assessments for this variant to ClinVar. Based on the evidence outlined above, the variant was classified as uncertain significance.

NM_002658.6(PLAU):c.974_977delinsT (p.Asp325_Tyr326delinsVal)

Genes: C10orf55 (chromosome 10 putative open reading frame 55; minus strand), PLAU (plasminogen activator, urokinase; plus strand). Cytogenetic location: 10q22.2.
Variant type: Indel.
Coding change: c.974_977delinsT on transcript NM_002658.6 (MANE Select); coding-DNA positions 974 to 977, ACTA replaced by T.
Protein change: p.Asp325_Tyr326delinsVal.
Molecular consequence: inframe indel.
Genome position (GRCh38, 1-based): chr10:73,915,254-73,915,257, ACTA replaced by T. VCF-style: chr10-73915254-ACTA-T. GRCh37 (hg19) VCF-style: chr10-75675012-ACTA-T.
Other names: c.923_926delinsT, p.Asp308_Tyr309delinsVal (NM_001145031.3); c.716_719delinsT, p.Asp239_Tyr240delinsVal (NM_001319191.2, NM_001441158.1, NM_001441159.1); c.974_977delinsT, p.Asp325_Tyr326delinsVal (NM_001441154.1, NM_001441155.1, NM_001441156.1 and 2 more transcripts).
Identifiers: ClinVar variation 4689117 (VCV004689117.1).